The following is an entry in ClinVar:

ClinVar aggregate classification (germline): Benign/Likely benign. Review status: criteria provided, multiple submitters, no conflicts (2 of 4 stars). 6 submissions from 6 submitters: Benign (3); Likely benign (3). Last evaluated 2026-09-01.

Conditions:
Congenital dyserythropoietic anemia, type II (CDAN2). Also called: DYSERYTHROPOIETIC ANEMIA, HEMPAS TYPE. Identifiers: Orphanet 98873, MedGen C1306589, MONDO:0009134, OMIM 224100.
Cowden syndrome 7 (CWS7). Identifiers: Orphanet 201, MedGen C4225179, MONDO:0014802, OMIM 616858.

Allele frequency attached by ClinVar (database versions not stated): gnomAD 0.00281 and 0.00337; ESP Exome Variant Server 0.00292; TOPMed 0.00345; 1000 Genomes Project 30x 0.00406; 1000 Genomes Project 0.00439; gnomAD exomes 0.00469 and 0.00590; ExAC 0.00603.
gnomAD v4.1: 7,410 of 1,613,834 alleles (0.46%); highest among the groups gnomAD compares: South Asian, 2%; 68 homozygotes.

Submissions (6):

CeGaT Center for Human Genetics Tuebingen
Classification: Benign. Last evaluated: 2026-09-01. Review status: criteria provided, single submitter. Criteria: CeGaT Center For Human Genetics Tuebingen Variant Classification Criteria Version 2. Collection method: clinical testing. Allele origin: germline. Affected: yes. Observed: 51 variant alleles.
Comment: SEC23B: BS1, BS2

Labcorp Genetics (formerly Invitae), Labcorp
Classification: Benign for Congenital dyserythropoietic anemia, type II; Cowden syndrome 7. Last evaluated: 2026-01-28. Review status: criteria provided, single submitter. Criteria: Invitae Variant Classification Sherloc (09022015). Collection method: clinical testing. Allele origin: germline.

ARUP Laboratories, Molecular Genetics and Genomics, ARUP Laboratories
Classification: Benign. Last evaluated: 2025-04-24. Review status: criteria provided, single submitter. Criteria: ARUP Molecular Germline Variant Investigation Process 2024. Collection method: clinical testing. Allele origin: germline.

Mayo Clinic Laboratories, Mayo Clinic
Classification: Likely benign. Last evaluated: 2024-12-09. Review status: criteria provided, single submitter. Criteria: ACMG Guidelines, 2015. Collection method: clinical testing. Allele origin: germline. Observed: 10 variant alleles.
Comment: BA1

GeneDx
Classification: Likely benign. Last evaluated: 2019-12-19. Review status: criteria provided, single submitter. Criteria: GeneDx Variant Classification Process June 2021. Collection method: clinical testing. Allele origin: germline. Affected: yes.
Comment: See Variant Classification Assertion Criteria.

Breakthrough Genomics
Classification: Likely benign. Review status: criteria provided, single submitter. Criteria: ACMG Guidelines, 2015. Collection method: not provided. Allele origin: germline. Inheritance: Autosomal recessive inheritance. Affected: yes.

NM_006363.6(SEC23B):c.993+19G>A

Gene: SEC23B (SEC23 homolog B, COPII component; plus strand). Cytogenetic location: 20p11.23.
Variant type: single nucleotide variant.
Coding change: c.993+19G>A on transcript NM_006363.6 (MANE Select); 19 bases into the intron after coding-DNA position 993, G replaced by A.
Molecular consequence: intron variant.
Genome position (GRCh38, 1-based): chr20:18,526,550, G>A. VCF-style: chr20-18526550-G-A. GRCh37 (hg19) VCF-style: chr20-18507194-G-A.
Other names: p.?; c.993+19G>A (NM_032986.5, NM_001172745.3, NM_032985.6); c.939+19G>A (NM_001172746.3).
Identifiers: ClinVar variation 707385 (VCV000707385.48), dbSNP rs144225458, ClinGen allele CA9778188.